The following is an entry in ClinVar:

NM_004360.5(CDH1):c.2262C>T (p.Tyr754=)

Gene: CDH1 (cadherin 1; plus strand). Cytogenetic location: 16q22.1.
Variant type: single nucleotide variant.
Coding change: c.2262C>T on transcript NM_004360.5 (MANE Select); coding-DNA position 2262, C replaced by T.
Protein change: p.Tyr754=; no amino-acid change (tyrosine 754 retained).
Molecular consequence: synonymous variant.
Genome position (GRCh38, 1-based): chr16:68,828,271, C>T. VCF-style: chr16-68828271-C-T. GRCh37 (hg19) VCF-style: chr16-68862174-C-T.
Other names: c.2079C>T, p.Tyr693= (NM_001317184.2); c.714C>T, p.Tyr238= (NM_001317185.2); c.297C>T, p.Tyr99= (NM_001317186.2).
Identifiers: ClinVar variation 1105494 (VCV001105494.12), dbSNP rs1596970988, ClinGen allele CA496157181.
Genomic context (GRCh38, chr16:68,828,271, plus strand): 5'-AGCGGTGGTCAAAGAGCCCTTACTGCCCCCAGAGGATGACACCCGGGACAACGTTTATTA[C>T]TATGATGAAGAAGGAGGCGGAGAAGAGGACCAGGTGGGTTTTGAAAACCTTGGTAGCTCA-3'
Protein context (NP_004351.1, residues 744-764): PEDDTRDNVY[Tyr754=]YDEEGGGEED

ClinVar aggregate classification (germline): Benign/Likely benign. Review status: criteria provided, multiple submitters, no conflicts (2 of 4 stars). 3 submissions from 3 submitters: Benign (1); Likely benign (2). Last evaluated 2024-09-23.

Conditions:
Hereditary cancer-predisposing syndrome. Also called: Hereditary neoplastic syndrome; Tumor predisposition; Neoplastic Syndromes, Hereditary; Hereditary Cancer Syndrome. Identifiers: Orphanet 140162, MedGen C0027672, MeSH D009386, MONDO:0015356.
Hereditary diffuse gastric adenocarcinoma (HDGC). Also called: DIFFUSE GASTRIC AND LOBULAR BREAST CANCER SYNDROME. Identifiers: Orphanet 26106, MedGen C1708349, MONDO:0007648, OMIM 137215.

Submissions (3):

Myriad Genetics, Inc.
Classification: Benign for Hereditary diffuse gastric adenocarcinoma. Last evaluated: 2024-09-23. Review status: criteria provided, single submitter. Criteria: Myriad Autosomal Dominant, Autosomal Recessive and X-Linked Classification Criteria (2023). Collection method: clinical testing. Allele origin: unknown.
Comment: This variant is considered benign. This variant is a silent/synonymous amino acid change and it is not expected to impact splicing.

Color Diagnostics, LLC DBA Color Health
Classification: Likely benign for Hereditary cancer-predisposing syndrome. Last evaluated: 2022-11-07. Review status: criteria provided, single submitter. Criteria: ACMG Guidelines, 2015. Collection method: clinical testing. Allele origin: germline.

Labcorp Genetics (formerly Invitae), Labcorp
Classification: Likely benign for Hereditary diffuse gastric adenocarcinoma. Last evaluated: 2020-03-14. Review status: criteria provided, single submitter. Criteria: Invitae Variant Classification Sherloc (09022015). Collection method: clinical testing. Allele origin: germline.